The following is an entry in ClinVar:

ClinVar aggregate classification (germline): Uncertain significance. Review status: criteria provided, multiple submitters, no conflicts (2 of 4 stars). 2 submissions from 2 submitters: Uncertain significance (2). Last evaluated 2024-04-25.

Conditions:
Niemann-Pick disease, type C1. Also called: NIEMANN-PICK DISEASE, VARIANT TYPE C1; NEUROVISCERAL STORAGE DISEASE WITH VERTICAL SUPRANUCLEAR OPHTHALMOPLEGIA; NIEMANN-PICK DISEASE WITH CHOLESTEROL ESTERIFICATION BLOCK; NIEMANN-PICK DISEASE WITHOUT SPHINGOMYELINASE DEFICIENCY; NIEMANN-PICK DISEASE, CHRONIC NEURONOPATHIC FORM. Identifiers: Orphanet 646, MedGen C3179455, MONDO:0009757, OMIM 257220.

Submissions (2):

GeneDx
Classification: Uncertain significance. Last evaluated: 2024-04-25. Review status: criteria provided, single submitter. Criteria: GeneDx Variant Classification Process June 2021. Collection method: clinical testing. Allele origin: germline. Affected: yes.
Comment: Not observed at significant frequency in large population cohorts (gnomAD); In silico analysis indicates that this missense variant does not alter protein structure/function; Has not been previously published as pathogenic or benign to our knowledge

Labcorp Genetics (formerly Invitae), Labcorp
Classification: Uncertain significance for Niemann-Pick disease, type C1. Last evaluated: 2022-05-04. Review status: criteria provided, single submitter. Criteria: Invitae Variant Classification Sherloc (09022015). Collection method: clinical testing. Allele origin: germline.
Comment: This sequence change replaces serine, which is neutral and polar, with cysteine, which is neutral and slightly polar, at codon 300 of the NPC1 protein (p.Ser300Cys). This variant is not present in population databases (gnomAD no frequency). This variant has not been reported in the literature in individuals affected with NPC1-related conditions. Algorithms developed to predict the effect of missense changes on protein structure and function are either unavailable or do not agree on the potential impact of this missense change (SIFT: "Deleterious"; PolyPhen-2: "Probably Damaging"; Align-GVGD: "Class C0"). In summary, the available evidence is currently insufficient to determine the role of this variant in disease. Therefore, it has been classified as a Variant of Uncertain Significance.

NM_000271.5(NPC1):c.899C>G (p.Ser300Cys)

Gene: NPC1 (NPC intracellular cholesterol transporter 1; minus strand). Cytogenetic location: 18q11.2.
Variant type: single nucleotide variant.
Coding change: c.899C>G on transcript NM_000271.5 (MANE Select); coding-DNA position 899, C replaced by G.
Protein change: p.Ser300Cys; replaces serine 300 with cysteine.
Molecular consequence: missense variant.
Genome position (GRCh38, 1-based): chr18:23,557,173, G>C on the plus strand (C>G on the coding strand, the complement: NPC1 is on the minus strand). VCF-style: chr18-23557173-G-C. GRCh37 (hg19) VCF-style: chr18-21137137-G-C.
Other names: c.899C>G (NM_000271.4); short protein forms S300C.
Identifiers: ClinVar variation 1418832 (VCV001418832.6), dbSNP rs2058966735, ClinGen allele CA401779759.